The following is an entry in ClinVar:

ClinVar aggregate classification (germline): Uncertain significance (1 of 4 stars; one submission).

Submission:

Labcorp Genetics (formerly Invitae), Labcorp
Classification: Uncertain significance. Last evaluated: 2025-02-23. Review status: criteria provided, single submitter. Criteria: Invitae Variant Classification Sherloc (09022015). Collection method: clinical testing. Allele origin: germline.
Comment: This sequence change replaces valine, which is neutral and non-polar, with leucine, which is neutral and non-polar, at codon 2451 of the DCHS1 protein (p.Val2451Leu). This variant is not present in population databases (gnomAD no frequency). This variant has not been reported in the literature in individuals affected with DCHS1-related conditions. Invitae Evidence Modeling of protein sequence and biophysical properties (such as structural, functional, and spatial information, amino acid conservation, physicochemical variation, residue mobility, and thermodynamic stability) has been performed for this missense variant. However, the output from this modeling did not meet the statistical confidence thresholds required to predict the impact of this variant on DCHS1 protein function. In summary, the available evidence is currently insufficient to determine the role of this variant in disease. Therefore, it has been classified as a Variant of Uncertain Significance.

NM_003737.4(DCHS1):c.7351G>T (p.Val2451Leu)

Gene: DCHS1 (dachsous cadherin-related 1; minus strand). Cytogenetic location: 11p15.4.
Variant type: single nucleotide variant.
Coding change: c.7351G>T on transcript NM_003737.4 (MANE Select); coding-DNA position 7351, G replaced by T.
Protein change: p.Val2451Leu; replaces valine 2451 with leucine.
Molecular consequence: missense variant.
Genome position (GRCh38, 1-based): chr11:6,624,325, C>A on the plus strand (G>T on the coding strand, the complement: DCHS1 is on the minus strand). VCF-style: chr11-6624325-C-A. GRCh37 (hg19) VCF-style: chr11-6645556-C-A.
Other names: short protein forms V2451L.
Identifiers: ClinVar variation 4740092 (VCV004740092.1).